The following is an entry in ClinVar:

ClinVar aggregate classification (germline): Uncertain significance. Review status: criteria provided, multiple submitters, no conflicts (2 of 4 stars). 2 submissions from 2 submitters: Uncertain significance (2). Last evaluated 2024-03-02.

Conditions:
Inborn genetic diseases. Identifiers: MedGen C0950123, MeSH D030342.

Allele frequency attached by ClinVar (database versions not stated): gnomAD 0.00001.
gnomAD v4.1: 1 of 1,613,656 alleles (0.000062%); highest among the groups gnomAD compares: Admixed American, 0.0017%; no homozygotes.

Submissions (2):

Ambry Genetics
Classification: Uncertain significance for Inborn genetic diseases. Last evaluated: 2024-03-02. Review status: criteria provided, single submitter. Criteria: Ambry Variant Classification Scheme 2023. Collection method: clinical testing. Allele origin: germline.
Comment: The p.S1219A variant (also known as c.3655T>G), located in coding exon 27 of the LRRK2 gene, results from a T to G substitution at nucleotide position 3655. The serine at codon 1219 is replaced by alanine, an amino acid with similar properties. This amino acid position is conserved. In addition, the in silico prediction for this alteration is inconclusive. Based on the available evidence, the clinical significance of this alteration remains unclear.

Clinical Genetics Laboratory, Skane University Hospital Lund
Classification: Uncertain significance. Last evaluated: 2022-05-27. Review status: criteria provided, single submitter. Criteria: ACMG Guidelines, 2015. Collection method: clinical testing. Allele origin: germline. Affected: yes.

NM_198578.4(LRRK2):c.3655T>G (p.Ser1219Ala)

Gene: LRRK2 (leucine rich repeat kinase 2; plus strand). Cytogenetic location: 12q12.
Variant type: single nucleotide variant.
Coding change: c.3655T>G on transcript NM_198578.4 (MANE Select); coding-DNA position 3655, T replaced by G.
Protein change: p.Ser1219Ala; replaces serine 1219 with alanine.
Molecular consequence: missense variant.
Genome position (GRCh38, 1-based): chr12:40,304,012, T>G. VCF-style: chr12-40304012-T-G. GRCh37 (hg19) VCF-style: chr12-40697814-T-G.
Other names: short protein forms S1219A.
Identifiers: ClinVar variation 3229622 (VCV003229622.2), dbSNP rs200572639, ClinGen allele CA384416659.